The following is an entry in ClinVar:

NM_199355.4(ADAMTS18):c.1018G>A (p.Val340Met)

Gene: ADAMTS18 (ADAM metallopeptidase with thrombospondin type 1 motif 18; minus strand). Cytogenetic location: 16q23.1.
Variant type: single nucleotide variant.
Coding change: c.1018G>A on transcript NM_199355.4 (MANE Select); coding-DNA position 1018, G replaced by A.
Protein change: p.Val340Met; replaces valine 340 with methionine.
Molecular consequence: missense variant.
Genome position (GRCh38, 1-based): chr16:77,363,840, C>T on the plus strand (G>A on the coding strand, the complement: ADAMTS18 is on the minus strand). VCF-style: chr16-77363840-C-T. GRCh37 (hg19) VCF-style: chr16-77397737-C-T.
Other names: c.502G>A, p.Val168Met (NM_001326358.2); short protein forms V168M, V340M.
Identifiers: ClinVar variation 2970778 (VCV002970778.3), dbSNP rs1318904239, ClinGen allele CA396836352.

ClinVar aggregate classification (germline): Uncertain significance (1 of 4 stars; one submission).

Allele frequency attached by ClinVar (database versions not stated): gnomAD 0.00002; TOPMed 0.00003.
gnomAD v4.1: 9 of 1,614,012 alleles (0.00056%); highest among the groups gnomAD compares: African/African-American, 0.004%; no homozygotes.

Submission:

Labcorp Genetics (formerly Invitae), Labcorp
Classification: Uncertain significance. Last evaluated: 2024-01-20. Review status: criteria provided, single submitter. Criteria: Invitae Variant Classification Sherloc (09022015). Collection method: clinical testing. Allele origin: germline.
Comment: This sequence change replaces valine, which is neutral and non-polar, with methionine, which is neutral and non-polar, at codon 340 of the ADAMTS18 protein (p.Val340Met). This variant is present in population databases (no rsID available, gnomAD 0.004%). This variant has not been reported in the literature in individuals affected with ADAMTS18-related conditions. An algorithm developed to predict the effect of missense changes on protein structure and function (PolyPhen-2) suggests that this variant is likely to be tolerated. In summary, the available evidence is currently insufficient to determine the role of this variant in disease. Therefore, it has been classified as a Variant of Uncertain Significance.